The following is an entry in ClinVar:

NM_006648.4(WNK2):c.2557G>T (p.Ala853Ser)

Gene: WNK2 (WNK lysine deficient protein kinase 2; plus strand). Cytogenetic location: 9q22.31.
Variant type: single nucleotide variant.
Coding change: c.2557G>T on transcript NM_006648.4 (MANE Select); coding-DNA position 2557, G replaced by T.
Protein change: p.Ala853Ser; replaces alanine 853 with serine.
Molecular consequence: missense variant.
Genome position (GRCh38, 1-based): chr9:93,259,105, G>T. VCF-style: chr9-93259105-G-T. GRCh37 (hg19) VCF-style: chr9-96021387-G-T.
Other names: c.2557G>T, p.Ala853Ser (NM_001282394.3); short protein forms A853S.
Identifiers: ClinVar variation 4605189 (VCV004605189.1).

ClinVar aggregate classification (germline): Uncertain significance (1 of 4 stars; one submission).

gnomAD v4.1: 1 of 1,611,950 alleles (0.000062%); highest among the groups gnomAD compares: Non-Finnish European, 0.000085%; no homozygotes.

Submission:

Ambry Genetics
Classification: Uncertain significance. Last evaluated: 2025-09-26. Review status: criteria provided, single submitter. Criteria: Ambry Variant Classification Scheme 2023. Collection method: clinical testing. Allele origin: germline.
Comment: The p.A853S variant (also known as c.2557G>T), located in coding exon 11 of the WNK2 gene, results from a G to T substitution at nucleotide position 2557. The alanine at codon 853 is replaced by serine, an amino acid with similar properties. This amino acid position is conserved. In addition, this alteration is predicted to be tolerated by in silico analysis. Based on the available evidence, the clinical significance of this variant remains unclear.